The following is an entry in ClinVar:

ClinVar aggregate classification (germline): Uncertain significance (1 of 4 stars; one submission).

gnomAD v4.1: 6 of 1,614,264 alleles (0.00037%); highest among the groups gnomAD compares: Non-Finnish European, 0.00051%; no homozygotes.

Submission:

Labcorp Genetics (formerly Invitae), Labcorp
Classification: Uncertain significance. Last evaluated: 2022-06-05. Review status: criteria provided, single submitter. Criteria: Invitae Variant Classification Sherloc (09022015). Collection method: clinical testing. Allele origin: germline.
Comment: In summary, the available evidence is currently insufficient to determine the role of this variant in disease. Therefore, it has been classified as a Variant of Uncertain Significance. This sequence change replaces tryptophan, which is neutral and slightly polar, with cysteine, which is neutral and slightly polar, at codon 859 of the LAMB1 protein (p.Trp859Cys). This variant is not present in population databases (gnomAD no frequency). This variant has not been reported in the literature in individuals affected with LAMB1-related conditions. ClinVar contains an entry for this variant (Variation ID: 1387612). Algorithms developed to predict the effect of missense changes on protein structure and function (SIFT, PolyPhen-2, Align-GVGD) all suggest that this variant is likely to be disruptive.

NM_002291.3(LAMB1):c.2577G>C (p.Trp859Cys)

Gene: LAMB1 (laminin subunit beta 1; minus strand). Cytogenetic location: 7q31.1.
Variant type: single nucleotide variant.
Coding change: c.2577G>C on transcript NM_002291.3 (MANE Select); coding-DNA position 2577, G replaced by C.
Protein change: p.Trp859Cys; replaces tryptophan 859 with cysteine.
Molecular consequence: missense variant.
Genome position (GRCh38, 1-based): chr7:107,959,362, C>G on the plus strand (G>C on the coding strand, the complement: LAMB1 is on the minus strand). VCF-style: chr7-107959362-C-G. GRCh37 (hg19) VCF-style: chr7-107599807-C-G.
Other names: short protein forms W859C.
Identifiers: ClinVar variation 1387612 (VCV001387612.6), dbSNP rs2150427062, ClinGen allele CA368867023.
Genomic context (GRCh38, chr7:107,959,362, plus strand): 5'-CACTGGGTCGCAGTCATCGGCGTGGCCATTGCACTGGCAGGGCTGGCAACTTGGAAAGCC[C>G]CAGTGCCCAGGTAAGCACCGATCACACTGCCGAGCATACACTCCCTGGAAACAGTGGCAC-3'
Protein context (NP_002282.2, residues 849-869): RQCDRCLPGH[Trp859Cys]GFPSCQPCQC